The following is an entry in ClinVar:

NM_001953.5(TYMP):c.221T>G (p.Met74Arg)

Genes: TYMP (thymidine phosphorylase; minus strand), LOC130067864 (ATAC-STARR-seq lymphoblastoid active region 19325; plus strand). Cytogenetic location: 22q13.33.
Variant type: single nucleotide variant.
Coding change: c.221T>G on transcript NM_001953.5 (MANE Select); coding-DNA position 221, T replaced by G.
Protein change: p.Met74Arg; replaces methionine 74 with arginine.
Molecular consequence: missense variant.
Genome position (GRCh38, 1-based): chr22:50,529,332, A>C on the plus strand (T>G on the coding strand, the complement: TYMP is on the minus strand). VCF-style: chr22-50529332-A-C. GRCh37 (hg19) VCF-style: chr22-50967761-A-C.
Other names: c.221T>G, p.Met74Arg (NM_001113755.3, NM_001113756.3, NM_001257988.1 and 1 more transcripts); short protein forms M74R.
Identifiers: ClinVar variation 2853298 (VCV002853298.3), dbSNP rs1556490053, ClinGen allele CA412202371.

ClinVar aggregate classification (germline): Uncertain significance (1 of 4 stars; one submission).

Submission:

Labcorp Genetics (formerly Invitae), Labcorp
Classification: Uncertain significance. Last evaluated: 2023-07-16. Review status: criteria provided, single submitter. Criteria: Invitae Variant Classification Sherloc (09022015). Collection method: clinical testing. Allele origin: germline.
Comment: This variant is not present in population databases (gnomAD no frequency). This sequence change replaces methionine, which is neutral and non-polar, with arginine, which is basic and polar, at codon 74 of the TYMP protein (p.Met74Arg). This variant has not been reported in the literature in individuals affected with TYMP-related conditions. In summary, the available evidence is currently insufficient to determine the role of this variant in disease. Therefore, it has been classified as a Variant of Uncertain Significance. Advanced modeling of protein sequence and biophysical properties (such as structural, functional, and spatial information, amino acid conservation, physicochemical variation, residue mobility, and thermodynamic stability) has been performed at Invitae for this missense variant, however the output from this modeling did not meet the statistical confidence thresholds required to predict the impact of this variant on TYMP protein function.